The following is an entry in ClinVar:

NM_004186.5(SEMA3F):c.1459C>A (p.Arg487Ser)

Gene: SEMA3F (semaphorin 3F; plus strand). Cytogenetic location: 3p21.31.
Variant type: single nucleotide variant.
Coding change: c.1459C>A on transcript NM_004186.5 (MANE Select); coding-DNA position 1459, C replaced by A.
Protein change: p.Arg487Ser; replaces arginine 487 with serine.
Molecular consequence: missense variant.
Genome position (GRCh38, 1-based): chr3:50,185,445, C>A. VCF-style: chr3-50185445-C-A. GRCh37 (hg19) VCF-style: chr3-50222878-C-A.
Other names: c.1162C>A, p.Arg388Ser (NM_001318798.2); c.1366C>A, p.Arg456Ser (NM_001318800.2); short protein forms R487S, R388S, R456S.
Identifiers: ClinVar variation 4978570 (VCV004978570.1).

ClinVar aggregate classification (germline): Uncertain significance (1 of 4 stars; one submission).

Conditions:
SEMA3F-related disorder. Also called: SEMA3F-related condition.

gnomAD v4.1: 63 of 1,613,172 alleles (0.0039%); highest among the groups gnomAD compares: Non-Finnish European, 0.0052%; no homozygotes.

Submission:

PreventionGenetics, part of Exact Sciences
Classification: Uncertain significance for SEMA3F-related condition. Last evaluated: 2025-09-10. Review status: criteria provided, single submitter. Criteria: ACMG Guidelines, 2015. Collection method: clinical testing. Allele origin: germline.
Comment: The SEMA3F c.1459C>A variant is predicted to result in the amino acid substitution p.Arg487Ser. To our knowledge, this variant has not been reported in the literature. This variant is reported in 0.0027% of alleles in individuals of European (Non-Finnish) descent in gnomAD. At this time, the clinical significance of this variant is uncertain due to the absence of conclusive functional and genetic evidence.